The following is an entry in ClinVar:

NM_006019.4(TCIRG1):c.1596del (p.Phe533fs)

Gene: TCIRG1 (T cell immune regulator 1, ATPase H+ transporting V0 subunit a3; plus strand). Cytogenetic location: 11q13.2.
Variant type: Deletion.
Coding change: c.1596del on transcript NM_006019.4 (MANE Select); coding-DNA position 1596, one base deleted (C; older notation c.1596delC).
Protein change: p.Phe533fs; shifts the reading frame from phenylalanine 533.
Molecular consequence: frameshift variant.
Genome position (GRCh38, 1-based): chr11:68,048,920, C deleted; the last of 2 consecutive C bases (chr11:68,048,919-68,048,920); deleting either gives the same sequence. VCF-style (leftmost placement, unchanged base first): chr11-68048918-TC-T. GRCh37 (hg19) VCF-style: chr11-67816385-TC-T.
Other names: c.702del, p.Phe235fs (NM_001351059.2); c.948del, p.Phe317fs (NM_006053.4); c.1596delC (NM_006019.3); short protein forms F317fs, F533fs, F235fs.
Identifiers: ClinVar variation 1974918 (VCV001974918.6), dbSNP rs1855645373, ClinGen allele CA1980432162.

ClinVar aggregate classification (germline): Pathogenic/Likely pathogenic. Review status: criteria provided, multiple submitters, no conflicts (2 of 4 stars). 2 submissions from 2 submitters: Pathogenic (1); Likely pathogenic (1). Last evaluated 2025-06-15.

Conditions:
Autosomal recessive osteopetrosis 1. Also called: TCIRG1-Related Osteopetrosis; ALBERS-SCHONBERG DISEASE, AUTOSOMAL RECESSIVE; TCIRG1-Related Autosomal Recessive Osteopetrosis. Identifiers: Orphanet 667, MedGen C1850127, MONDO:0009815, OMIM 259700.

Submissions (2):

Labcorp Genetics (formerly Invitae), Labcorp
Classification: Pathogenic. Last evaluated: 2025-06-15. Review status: criteria provided, single submitter. Criteria: Invitae Variant Classification Sherloc (09022015). Collection method: clinical testing. Allele origin: germline.
Comment: This sequence change creates a premature translational stop signal (p.Phe533Serfs*3) in the TCIRG1 gene. It is expected to result in an absent or disrupted protein product. Loss-of-function variants in TCIRG1 are known to be pathogenic (PMID: 10888887, 10942435, 11532986, 19448635). This variant is not present in population databases (gnomAD no frequency). This variant has not been reported in the literature in individuals affected with TCIRG1-related conditions. ClinVar contains an entry for this variant (Variation ID: 1974918). For these reasons, this variant has been classified as Pathogenic.

Natera, Inc.
Classification: Likely pathogenic for Infantile malignant osteopetrosis. Last evaluated: 2025-04-19. Review status: criteria provided, single submitter. Criteria: Natera Variant Classification Schema (03/2026). Collection method: clinical testing. Allele origin: germline.
Comment: The c.1596delC variant in TCIRG1 is a frameshift variant predicted to shift the reading frame beginning at codon 533 and leads to a stop codon 3 codons downstream. This variant is expected to result in nonsense mediated decay, truncation, or a dysfunctional protein product. This variant is rare in the general population with a frequency below the threshold expected for the associated phenotype(s). Given the available evidence, this variant is classified as Likely Pathogenic.

Literature cited by the submitters: PubMed 10888887 (cited by Labcorp Genetics (formerly Invitae), Labcorp); PubMed 10942435 (cited by Labcorp Genetics (formerly Invitae), Labcorp); PubMed 11532986 (cited by Labcorp Genetics (formerly Invitae), Labcorp); PubMed 19448635 (cited by Labcorp Genetics (formerly Invitae), Labcorp).